The following is an entry in ClinVar:

ClinVar aggregate classification (germline): Uncertain significance (1 of 4 stars; one submission).

Conditions:
Familial acute necrotizing encephalopathy (IIAE3). Also called: ENCEPHALOPATHY, ACUTE, INFECTION-INDUCED, SUSCEPTIBILITY TO, 3; Susceptibility to Acute Necrotizing Encephalopathy 1. Identifiers: Orphanet 88619, MedGen C2675556, MONDO:0011953, OMIM 608033.

Allele frequency attached by ClinVar (database versions not stated): gnomAD exomes below 0.00001.
gnomAD v4.1: 1 of 1,611,596 alleles (0.000062%); highest among the groups gnomAD compares: Admixed American, 0.0017%; no homozygotes.

Submission:

Labcorp Genetics (formerly Invitae), Labcorp
Classification: Uncertain significance for Familial acute necrotizing encephalopathy. Last evaluated: 2022-11-20. Review status: criteria provided, single submitter. Criteria: Invitae Variant Classification Sherloc (09022015). Collection method: clinical testing. Allele origin: germline.
Comment: In summary, the available evidence is currently insufficient to determine the role of this variant in disease. Therefore, it has been classified as a Variant of Uncertain Significance. Algorithms developed to predict the effect of missense changes on protein structure and function (SIFT, PolyPhen-2, Align-GVGD) all suggest that this variant is likely to be tolerated. This variant has not been reported in the literature in individuals affected with RANBP2-related conditions. This variant is not present in population databases (gnomAD no frequency). This sequence change replaces alanine, which is neutral and non-polar, with threonine, which is neutral and polar, at codon 640 of the RANBP2 protein (p.Ala640Thr).

NM_006267.5(RANBP2):c.1918G>A (p.Ala640Thr)

Gene: RANBP2 (RAN binding protein 2; plus strand). Cytogenetic location: 2q13.
Variant type: single nucleotide variant.
Coding change: c.1918G>A on transcript NM_006267.5 (MANE Select); coding-DNA position 1918, G replaced by A.
Protein change: p.Ala640Thr; replaces alanine 640 with threonine.
Molecular consequence: missense variant.
Genome position (GRCh38, 1-based): chr2:108,753,426, G>A. VCF-style: chr2-108753426-G-A. GRCh37 (hg19) VCF-style: chr2-109369882-G-A.
Other names: c.1918G>A, p.Ala640Thr (NM_001415871.1, NM_001415873.1); c.1915G>A, p.Ala639Thr (NM_001415872.1); short protein forms A639T, A640T.
Identifiers: ClinVar variation 2894636 (VCV002894636.3), dbSNP rs2467525185, ClinGen allele CA348052632.